The following is an entry in ClinVar:

NM_001099403.2(PRDM8):c.1135G>A (p.Gly379Ser)

Gene: PRDM8 (PR/SET domain 8; plus strand). Cytogenetic location: 4q21.21.
Variant type: single nucleotide variant.
Coding change: c.1135G>A on transcript NM_001099403.2 (MANE Select); coding-DNA position 1135, G replaced by A.
Protein change: p.Gly379Ser; replaces glycine 379 with serine.
Molecular consequence: missense variant.
Genome position (GRCh38, 1-based): chr4:80,202,597, G>A. VCF-style: chr4-80202597-G-A. GRCh37 (hg19) VCF-style: chr4-81123751-G-A.
Other names: c.1135G>A, p.Gly379Ser (NM_020226.4); short protein forms G379S.
Identifiers: ClinVar variation 1372919 (VCV001372919.6), dbSNP rs1738596858, ClinGen allele CA357398472.

ClinVar aggregate classification (germline): Uncertain significance (1 of 4 stars; one submission).

Conditions:
Early-onset Lafora body disease. Also called: Epilepsy, progressive myoclonic, 10. Identifiers: Orphanet 324290, MedGen C4225258, MONDO:0014717, OMIM 616640.

Allele frequency attached by ClinVar (database versions not stated): TOPMed below 0.00001; gnomAD 0.00001.
gnomAD v4.1: 3 of 1,532,806 alleles (0.0002%); highest among the groups gnomAD compares: African/African-American, 0.0028%; no homozygotes.

Submission:

Labcorp Genetics (formerly Invitae), Labcorp
Classification: Uncertain significance for Early-onset Lafora body disease. Last evaluated: 2025-09-02. Review status: criteria provided, single submitter. Criteria: Invitae Variant Classification Sherloc (09022015). Collection method: clinical testing. Allele origin: germline.
Comment: This sequence change replaces glycine, which is neutral and non-polar, with serine, which is neutral and polar, at codon 379 of the PRDM8 protein (p.Gly379Ser). This variant is not present in population databases (gnomAD no frequency). This variant has not been reported in the literature in individuals affected with PRDM8-related conditions. ClinVar contains an entry for this variant (Variation ID: 1372919). Invitae Evidence Modeling of protein sequence and biophysical properties (such as structural, functional, and spatial information, amino acid conservation, physicochemical variation, residue mobility, and thermodynamic stability) indicates that this missense variant is not expected to disrupt PRDM8 protein function with a negative predictive value of 80%. In summary, the available evidence is currently insufficient to determine the role of this variant in disease. Therefore, it has been classified as a Variant of Uncertain Significance.